The following is an entry in ClinVar:

ClinVar aggregate classification (germline): Likely benign (0 of 4 stars; one submission).

Conditions:
CASP14-related disorder. Also called: CASP14-related condition.

Submission:

PreventionGenetics, part of Exact Sciences
Classification: Likely benign for CASP14-related condition. Last evaluated: 2019-07-16. Review status: no assertion criteria provided. Collection method: clinical testing. Allele origin: germline.
Comment: This variant is classified as likely benign based on ACMG/AMP sequence variant interpretation guidelines (Richards et al. 2015 PMID: 25741868, with internal and published modifications).

NM_012114.3(CASP14):c.-3G>A

Gene: CASP14 (caspase 14; plus strand). Cytogenetic location: 19p13.12.
Variant type: single nucleotide variant.
Coding change: c.-3G>A on transcript NM_012114.3 (MANE Select); 3 bases upstream of the start codon, G replaced by A.
Molecular consequence: 5 prime UTR variant.
Genome position (GRCh38, 1-based): chr19:15,052,249, G>A. VCF-style: chr19-15052249-G-A. GRCh37 (hg19) VCF-style: chr19-15163060-G-A.
Identifiers: ClinVar variation 3351073 (VCV003351073.1).